The following is an entry in ClinVar:

NM_013382.7(POMT2):c.1892-1G>C

Gene: POMT2 (protein O-mannosyltransferase 2; minus strand). Cytogenetic location: 14q24.3.
Variant type: single nucleotide variant.
Coding change: c.1892-1G>C on transcript NM_013382.7 (MANE Select); the canonical splice acceptor site of the intron before coding-DNA position 1892, G replaced by C.
Molecular consequence: splice acceptor variant.
Genome position (GRCh38, 1-based): chr14:77,278,870, C>G on the plus strand (G>C on the coding strand, the complement: POMT2 is on the minus strand). VCF-style: chr14-77278870-C-G. GRCh37 (hg19) VCF-style: chr14-77745213-C-G.
Identifiers: ClinVar variation 2195640 (VCV002195640.4), dbSNP rs2503156505, ClinGen allele CA390514289.

ClinVar aggregate classification (germline): Likely pathogenic (1 of 4 stars; one submission).

Conditions:
Muscular dystrophy-dystroglycanopathy (congenital with impaired intellectual development), type B, 2. Also called: Muscular dystrophy-dystroglycanopathy (congenital with intellectual disability), type B2; MUSCULAR DYSTROPHY, CONGENITAL, POMT2-RELATED. Identifiers: MedGen C3150416, MONDO:0013160, OMIM 613156.
Autosomal recessive limb-girdle muscular dystrophy type 2N. Also called: MUSCULAR DYSTROPHY-DYSTROGLYCANOPATHY, LIMB-GIRDLE, POMT2-RELATED; Muscular dystrophy-dystroglycanopathy (limb-girdle), type C, 2. Identifiers: Orphanet 206559, MedGen C3150418, MONDO:0013162, OMIM 613158.
Muscular dystrophy-dystroglycanopathy (congenital with brain and eye anomalies), type A2. Also called: MUSCULAR DYSTROPHY-DYSTROGLYCANOPATHY (CONGENITAL WITH BRAIN AND EYE ANOMALIES), TYPE A, 2; WALKER-WARBURG SYNDROME OR MUSCLE-EYE-BRAIN DISEASE, POMT2-RELATED. Identifiers: Orphanet 588, Orphanet 899, MedGen C3150411, MONDO:0013154, OMIM 613150.

Submission:

Labcorp Genetics (formerly Invitae), Labcorp
Classification: Likely pathogenic for Muscular dystrophy-dystroglycanopathy (congenital with impaired intellectual development), type B, 2; Muscular dystrophy-dystroglycanopathy (congenital with brain and eye anomalies), type A2; Autosomal recessive limb-girdle muscular dystrophy type 2N. Last evaluated: 2022-05-06. Review status: criteria provided, single submitter. Criteria: Invitae Variant Classification Sherloc (09022015). Collection method: clinical testing. Allele origin: germline.
Comment: This sequence change affects an acceptor splice site in intron 18 of the POMT2 gene. It is expected to disrupt RNA splicing. Variants that disrupt the donor or acceptor splice site typically lead to a loss of protein function (PMID: 16199547), and loss-of-function variants in POMT2 are known to be pathogenic (PMID: 15894594). This variant is not present in population databases (gnomAD no frequency). In summary, the currently available evidence indicates that the variant is pathogenic, but additional data are needed to prove that conclusively. Therefore, this variant has been classified as Likely Pathogenic. Algorithms developed to predict the effect of sequence changes on RNA splicing suggest that this variant may disrupt the consensus splice site. This variant has not been reported in the literature in individuals affected with POMT2-related conditions.

Literature cited by the submitters: PubMed 16199547; PubMed 15894594.